The following is an entry in ClinVar:

NM_024642.5(GALNT12):c.1591T>G (p.Phe531Val)

Gene: GALNT12 (polypeptide N-acetylgalactosaminyltransferase 12; plus strand). Cytogenetic location: 9q22.33.
Variant type: single nucleotide variant.
Coding change: c.1591T>G on transcript NM_024642.5 (MANE Select); coding-DNA position 1591, T replaced by G.
Protein change: p.Phe531Val; replaces phenylalanine 531 with valine.
Molecular consequence: missense variant.
Genome position (GRCh38, 1-based): chr9:98,846,109, T>G. VCF-style: chr9-98846109-T-G. GRCh37 (hg19) VCF-style: chr9-101608391-T-G.
Other names: short protein forms F531V.
Identifiers: ClinVar variation 1775936 (VCV001775936.2), dbSNP rs2490558147, ClinGen allele CA374221882.

ClinVar aggregate classification (germline): Uncertain significance (1 of 4 stars; one submission).

Submission:

Ambry Genetics
Classification: Uncertain significance. Last evaluated: 2022-05-24. Review status: criteria provided, single submitter. Criteria: Ambry Variant Classification Scheme 2023. Collection method: clinical testing. Allele origin: germline.
Comment: The p.F531V variant (also known as c.1591T>G), located in coding exon 9 of the GALNT12 gene, results from a T to G substitution at nucleotide position 1591. The phenylalanine at codon 531 is replaced by valine, an amino acid with highly similar properties. This amino acid position is conserved. In addition, the in silico prediction for this alteration is inconclusive. Since supporting evidence is limited at this time, the clinical significance of this alteration remains unclear.